The following is an entry in ClinVar:

ClinVar aggregate classification (germline): Pathogenic/Likely pathogenic. Review status: criteria provided, multiple submitters, no conflicts (2 of 4 stars). 5 submissions from 5 submitters: Pathogenic (1); Likely pathogenic (2). 2 of the submissions do not count toward it. Last evaluated 2026-01-27.

Conditions:
Niemann-Pick disease, type C (NPC). Identifiers: Orphanet 646, MedGen C0220756, MONDO:0018982.
Niemann-Pick disease, type C1. Also called: NEUROVISCERAL STORAGE DISEASE WITH VERTICAL SUPRANUCLEAR OPHTHALMOPLEGIA; NIEMANN-PICK DISEASE WITH CHOLESTEROL ESTERIFICATION BLOCK; NIEMANN-PICK DISEASE WITHOUT SPHINGOMYELINASE DEFICIENCY; NIEMANN-PICK DISEASE, CHRONIC NEURONOPATHIC FORM; NIEMANN-PICK DISEASE, VARIANT TYPE C1. Identifiers: Orphanet 646, MedGen C3179455, MONDO:0009757, OMIM 257220.
Sphingomyelin/cholesterol lipidosis. Also called: Niemann-Pick disease. Identifiers: MedGen C0028064, MONDO:0001982.

Allele frequency attached by ClinVar (database versions not stated): gnomAD exomes below 0.00001 and 0.00002; TOPMed 0.00001; ExAC 0.00002.
gnomAD v4.1: 1 of 1,614,222 alleles (0.000062%); highest among the groups gnomAD compares: East Asian, 0.0022%; no homozygotes.

Submissions (5):

Natera, Inc.
Classification: Likely pathogenic for Niemann-Pick disease type C1. Last evaluated: 2026-01-27. Review status: criteria provided, single submitter. Criteria: Natera Variant Classification Schema (03/2026). Collection method: clinical testing. Allele origin: germline.
Comment: The c.3634G>T variant in NPC1 is a missense variant predicted to cause substitution of valine to leucine at amino acid 1212. This variant is rare in the general population with a frequency below the threshold expected for the associated phenotype(s). This variant has been observed in one or more individuals affected with the associated recessive disease, as either homozygous or compound heterozygous with a second variant (PMID: 22476655, 36187872). Additionally, this variant has been observed to segregate in affected family members (PMID: 22476655). Computational prediction algorithms indicate this variant is likely to affect gene or protein function. Given the available evidence, this variant is classified as Likely Pathogenic.

Labcorp Genetics (formerly Invitae), Labcorp
Classification: Pathogenic for Niemann-Pick disease, type C1. Last evaluated: 2025-11-04. Review status: criteria provided, single submitter. Criteria: Invitae Variant Classification Sherloc (09022015). Collection method: clinical testing. Allele origin: germline.
Comment: This sequence change replaces valine, which is neutral and non-polar, with leucine, which is neutral and non-polar, at codon 1212 of the NPC1 protein (p.Val1212Leu). This variant is present in population databases (rs753419933, gnomAD 0.02%). This missense change has been observed in individual(s) with Niemann-Pick type C (PMID: 15774455, 22326530, 22476655, 24915861). It has also been observed to segregate with disease in related individuals. ClinVar contains an entry for this variant (Variation ID: 558706). Invitae Evidence Modeling of protein sequence and biophysical properties (such as structural, functional, and spatial information, amino acid conservation, physicochemical variation, residue mobility, and thermodynamic stability) indicates that this missense variant is expected to disrupt NPC1 protein function with a positive predictive value of 95%. For these reasons, this variant has been classified as Pathogenic.

Women's Health and Genetics/Laboratory Corporation of America, LabCorp
Classification: Likely pathogenic for Niemann-Pick disease, type C. Last evaluated: 2023-02-24. Review status: criteria provided, single submitter. Criteria: LabCorp Variant Classification Summary - May 2015. Collection method: clinical testing. Allele origin: germline.
Comment: Variant summary: NPC1 c.3634G>T (p.Val1212Leu) results in a conservative amino acid change in the encoded protein sequence. Four of five in-silico tools predict a damaging effect of the variant on protein function. The variant allele was found at a frequency of 1.6e-05 in 251468 control chromosomes (gnomAD). c.3634G>T has been reported in the literature in individuals affected with Niemann-Pick Disease Type C (examples: Yang_2005, Xiong_2012, and Zhang_2014). These data indicate that the variant is likely to be associated with disease. Three clinical diagnostic laboratories have submitted clinical-significance assessments for this variant to ClinVar after 2014 and all classified the variant as pathogenic/likely pathogenic. Based on the evidence outlined above, the variant was classified as likely pathogenic.

Department of Reproductive Genetics, International Peace Maternity and Child Health Hospital, Shanghai Jiao Tong University School of Medicine
Classification: Pathogenic for Niemann-Pick disease. Last evaluated: 2025-05-01. Review status: no assertion criteria provided. Collection method: clinical testing. Allele origin: inherited. Affected: yes. Not counted in ClinVar's aggregate classification.

Counsyl
Classification: Likely pathogenic for Niemann-Pick disease, type C1. Last evaluated: 2018-06-06. Review status: no assertion criteria provided. Collection method: clinical testing. Allele origin: unknown. Not counted in ClinVar's aggregate classification.

Literature cited by the submitters: PubMed 22476655 (cited by 4 submitters); PubMed 36187872 (cited by Natera, Inc.); PubMed 15774455 (cited by 4 submitters); PubMed 22326530 (cited by 3 submitters); PubMed 24915861 (cited by 4 submitters); PubMed 28193631 (cited by Women's Health and Genetics/Laboratory Corporation of America, LabCorp); PubMed 30968598 (cited by Department of Reproductive Genetics, International Peace Maternity and Child Health Hospital, Shanghai Jiao Tong University School of Medicine).

NM_000271.5(NPC1):c.3634G>T (p.Val1212Leu)

Gene: NPC1 (NPC intracellular cholesterol transporter 1; minus strand). Cytogenetic location: 18q11.2.
Variant type: single nucleotide variant.
Coding change: c.3634G>T on transcript NM_000271.5 (MANE Select); coding-DNA position 3634, G replaced by T.
Protein change: p.Val1212Leu; replaces valine 1212 with leucine.
Molecular consequence: missense variant.
Genome position (GRCh38, 1-based): chr18:23,533,475, C>A on the plus strand (G>T on the coding strand, the complement: NPC1 is on the minus strand). VCF-style: chr18-23533475-C-A. GRCh37 (hg19) VCF-style: chr18-21113439-C-A.
Other names: short protein forms V1212L.
Identifiers: ClinVar variation 558706 (VCV000558706.16), dbSNP rs753419933, ClinGen allele CA8912687.